The following is an entry in ClinVar:

NM_001369268.1(ACAN):c.7159C>T (p.Arg2387Trp)

Gene: ACAN (aggrecan; plus strand). Cytogenetic location: 15q26.1.
Variant type: single nucleotide variant.
Coding change: c.7159C>T on transcript NM_001369268.1 (MANE Select); coding-DNA position 7159, C replaced by T.
Protein change: p.Arg2387Trp; replaces arginine 2387 with tryptophan.
Molecular consequence: missense variant.
Genome position (GRCh38, 1-based): chr15:88,871,480, C>T. VCF-style: chr15-88871480-C-T. GRCh37 (hg19) VCF-style: chr15-89414711-C-T.
Other names: c.6931C>T, p.Arg2311Trp (NM_001135.4, NM_001411096.1); c.7045C>T, p.Arg2349Trp (NM_001411097.1, NM_013227.4); short protein forms R2311W, R2349W, R2387W.
Identifiers: ClinVar variation 1901075 (VCV001901075.5), dbSNP rs376535037, ClinGen allele CA7720578.
Genomic context (GRCh38, chr15:88,871,480, plus strand): 5'-GGCCACTGTTACCGCCACTTCCCGGACCGCGAGACCTGGGTGGATGCTGAGCGCCGGTGT[C>T]GGGAGCAGCAGTCACACCTGAGCAGCATCGTCACCCCCGAGGAGCAGGAGTTTGTCAACA-3'
Protein context (NP_001356197.1, residues 2377-2397): ETWVDAERRC[Arg2387Trp]EQQSHLSSIV

ClinVar aggregate classification (germline): Uncertain significance (1 of 4 stars; one submission).

Allele frequency attached by ClinVar (database versions not stated): gnomAD 0.00003; TOPMed 0.00006; ESP Exome Variant Server 0.00008.
gnomAD v4.1: 26 of 1,613,710 alleles (0.0016%); highest among the groups gnomAD compares: African/African-American, 0.0067%; no homozygotes.

Submission:

Labcorp Genetics (formerly Invitae), Labcorp
Classification: Uncertain significance. Last evaluated: 2024-03-20. Review status: criteria provided, single submitter. Criteria: Invitae Variant Classification Sherloc (09022015). Collection method: clinical testing. Allele origin: germline.
Comment: This sequence change replaces arginine, which is basic and polar, with tryptophan, which is neutral and slightly polar, at codon 2349 of the ACAN protein (p.Arg2349Trp). This variant is present in population databases (rs376535037, gnomAD 0.03%). This variant has not been reported in the literature in individuals affected with ACAN-related conditions. ClinVar contains an entry for this variant (Variation ID: 1901075). An algorithm developed to predict the effect of missense changes on protein structure and function (PolyPhen-2) suggests that this variant is likely to be disruptive. In summary, the available evidence is currently insufficient to determine the role of this variant in disease. Therefore, it has been classified as a Variant of Uncertain Significance.